The following is an entry in ClinVar:

ClinVar aggregate classification (germline): Pathogenic (1 of 4 stars; one submission).

Conditions:
Hereditary sensory and autonomic neuropathy type 6. Also called: HSAN VI; Neuropathy, hereditary sensory and autonomic, type VI. Identifiers: Orphanet 314381, MedGen C3539003, MONDO:0013839, OMIM 614653.
Epidermolysis bullosa simplex 3, localized or generalized intermediate, with BP230 deficiency (EBS3). Also called: Epidermolysis bullosa simplex due to BP230 deficiency; Epidermolysis bullosa simplex, autosomal recessive 2. Identifiers: Orphanet 412181, MedGen C3809470, MONDO:0014180, OMIM 615425.

gnomAD v4.1: 1 of 1,613,154 alleles (0.000062%); highest among the groups gnomAD compares: Non-Finnish European, 0.000085%; no homozygotes.

Submission:

Labcorp Genetics (formerly Invitae), Labcorp
Classification: Pathogenic for Epidermolysis bullosa simplex 3, localized or generalized intermediate, with BP230 deficiency; Hereditary sensory and autonomic neuropathy type 6. Last evaluated: 2024-10-02. Review status: criteria provided, single submitter. Criteria: Invitae Variant Classification Sherloc (09022015). Collection method: clinical testing. Allele origin: germline.
Comment: This sequence change creates a premature translational stop signal (p.Arg664*) in the DST gene. It is expected to result in an absent or disrupted protein product. Loss-of-function variants in DST are known to be pathogenic (PMID: 22522446, 25059916, 30371979). This variant is not present in population databases (gnomAD no frequency). This variant has not been reported in the literature in individuals affected with DST-related conditions. For these reasons, this variant has been classified as Pathogenic.

Literature cited by the submitters: PubMed 22522446; PubMed 25059916; PubMed 30371979.

NM_001374736.1(DST):c.3601C>T (p.Arg1201Ter)

Gene: DST (dystonin; minus strand). Cytogenetic location: 6p12.1.
Variant type: single nucleotide variant.
Coding change: c.3601C>T on transcript NM_001374736.1 (MANE Select); coding-DNA position 3601, C replaced by T.
Protein change: p.Arg1201Ter; replaces arginine 1201 with a stop codon.
Molecular consequence: nonsense.
Genome position (GRCh38, 1-based): chr6:56,634,152, G>A on the plus strand (C>T on the coding strand, the complement: DST is on the minus strand). VCF-style: chr6-56634152-G-A. GRCh37 (hg19) VCF-style: chr6-56498950-G-A.
Other names: c.3502C>T, p.Arg1168Ter (NM_001144769.5); c.3088C>T, p.Arg1030Ter (NM_001144770.2); c.3601C>T, p.Arg1201Ter (NM_001374722.1); c.2968C>T, p.Arg990Ter (NM_001374729.1, NM_001374730.1, NM_001386100.1 and 1 more transcripts); c.3628C>T, p.Arg1210Ter (NM_001374734.1); c.1990C>T, p.Arg664Ter (NM_001723.7, NM_015548.5); short protein forms R1030*, R1168*, R1201*, R1210*, R664*, R990*.
Identifiers: ClinVar variation 3748661 (VCV003748661.2).